The following is an entry in ClinVar:

ClinVar aggregate classification (germline): Benign/Likely benign. Review status: criteria provided, multiple submitters, no conflicts (2 of 4 stars). 9 submissions from 9 submitters: Benign (5); Likely benign (3). 1 of the submissions does not count toward it. Last evaluated 2026-08-01.

Conditions:
DMD-related disorder. Also called: DMD-related condition.
Duchenne muscular dystrophy (DMD). Also called: MUSCULAR DYSTROPHY, PSEUDOHYPERTROPHIC PROGRESSIVE, DUCHENNE TYPE; Duchenne Muscular Dystrophy (DMD). Identifiers: Orphanet 98896, MedGen C0013264, MONDO:0010679, OMIM 310200.

Allele frequency attached by ClinVar (database versions not stated): 1000 Genomes Project 0.00556; gnomAD 0.00580 and 0.00537; TOPMed 0.00643; 1000 Genomes Project 30x 0.00520.
gnomAD v4.1: 596 of 111,274 alleles (0.54%); highest among the groups gnomAD compares: African/African-American, 1.5%; no homozygotes.

Submissions (9):

CeGaT Center for Human Genetics Tuebingen
Classification: Benign. Last evaluated: 2026-08-01. Review status: criteria provided, single submitter. Criteria: CeGaT Center For Human Genetics Tuebingen Variant Classification Criteria Version 2. Collection method: clinical testing. Allele origin: germline. Affected: yes. Observed: 15 variant alleles.
Comment: DMD: BS1, BS2

Labcorp Genetics (formerly Invitae), Labcorp
Classification: Benign for Duchenne muscular dystrophy. Last evaluated: 2026-02-04. Review status: criteria provided, single submitter. Criteria: Invitae Variant Classification Sherloc (09022015). Collection method: clinical testing. Allele origin: germline.

Women's Health and Genetics/Laboratory Corporation of America, LabCorp
Classification: Likely benign. Last evaluated: 2025-11-24. Review status: criteria provided, single submitter. Criteria: LabCorp Variant Classification Summary - May 2015. Collection method: clinical testing. Allele origin: germline.
Comment: Variant summary: DMD c.3432+2036A>C is located at a position not widely known to affect splicing. Consensus agreement among computation tools predict no significant impact on normal splicing. However, these predictions have yet to be confirmed by functional studies. The frequency of this variant in the general population could not be determined as the technology used for large population databases (ExAC, gnomAD, ESP, 1000G) cannot detect variants of this type. The available data on variant occurrences in the general population are insufficient to allow any conclusion about variant significance. To our knowledge, no occurrence of c.3432+2036A>C in individuals affected with DMD-related conditions and no experimental evidence demonstrating its impact on protein function have been reported. ClinVar contains an entry for this variant (Variation ID: 94590). Based on the evidence outlined above, the variant was classified as likely benign.

Mayo Clinic Laboratories, Mayo Clinic
Classification: Benign. Last evaluated: 2025-10-01. Review status: criteria provided, single submitter. Criteria: ACMG Guidelines, 2015. Collection method: clinical testing. Allele origin: germline. Observed: 3 variant alleles.
Comment: BA1

Blueprint Genetics
Classification: Likely benign. Last evaluated: 2024-11-14. Review status: criteria provided, single submitter. Criteria: ACMG Guidelines, 2015. Collection method: clinical testing. Allele origin: germline.

ARUP Laboratories, Molecular Genetics and Genomics, ARUP Laboratories
Classification: Benign. Last evaluated: 2020-10-20. Review status: criteria provided, single submitter. Criteria: ARUP Molecular Germline Variant Investigation Process 2021. Collection method: clinical testing. Allele origin: germline.

Eurofins Ntd Llc (ga)
Classification: Likely benign. Last evaluated: 2016-11-23. Review status: criteria provided, single submitter. Criteria: EGL Classification Definitions 2015. Collection method: clinical testing. Allele origin: germline. Observed: 40 variant alleles, 27 heterozygotes, 13 hemizygotes.

GeneDx
Classification: Benign. Last evaluated: 2014-03-06. Review status: criteria provided, single submitter. Criteria: GeneDx Variant Classification (06012015). Collection method: clinical testing. Allele origin: germline. Affected: yes.
Comment: This variant is considered likely benign or benign based on one or more of the following criteria: it is a conservative change, it occurs at a poorly conserved position in the protein, it is predicted to be benign by multiple in silico algorithms, and/or has population frequency not consistent with disease.

PreventionGenetics, part of Exact Sciences
Classification: Benign for DMD-related condition. Last evaluated: 2019-07-19. Review status: no assertion criteria provided. Collection method: clinical testing. Allele origin: germline. Not counted in ClinVar's aggregate classification.
Comment: This variant is classified as benign based on ACMG/AMP sequence variant interpretation guidelines (Richards et al. 2015 PMID: 25741868, with internal and published modifications).

NM_004006.3(DMD):c.3432+2036A>C

Gene: DMD (dystrophin; minus strand). Cytogenetic location: Xp21.1.
Variant type: single nucleotide variant.
Coding change: c.3432+2036A>C on transcript NM_004006.3 (MANE Select); 2036 bases into the intron after coding-DNA position 3432, A replaced by C.
Molecular consequence: intron variant.
Genome position (GRCh38, 1-based): chrX:32,461,403, T>G on the plus strand (A>C on the coding strand, the complement: DMD is on the minus strand). VCF-style: chrX-32461403-T-G. GRCh37 (hg19) VCF-style: chrX-32479520-T-G.
Other names: p.?; c.3408+2036A>C (NM_000109.4); c.3420+2036A>C (NM_004009.3); c.3063+2036A>C (NM_004010.3).
Identifiers: ClinVar variation 94590 (VCV000094590.58), dbSNP rs182575709, ClinGen allele CA222383.